The following is an entry in ClinVar:

ClinVar aggregate classification (germline): Uncertain significance. Review status: criteria provided, multiple submitters, no conflicts (2 of 4 stars). 2 submissions from 2 submitters: Uncertain significance (2). Last evaluated 2023-12-05.

Conditions:
Hereditary cancer-predisposing syndrome. Also called: Tumor predisposition; Neoplastic Syndromes, Hereditary; Hereditary Cancer Syndrome; Hereditary neoplastic syndrome. Identifiers: Orphanet 140162, MedGen C0027672, MeSH D009386, MONDO:0015356.
Hereditary diffuse gastric adenocarcinoma (HDGC). Also called: DIFFUSE GASTRIC AND LOBULAR BREAST CANCER SYNDROME. Identifiers: Orphanet 26106, MedGen C1708349, MONDO:0007648, OMIM 137215.

Submissions (2):

Color Diagnostics, LLC DBA Color Health
Classification: Uncertain significance for Hereditary cancer-predisposing syndrome. Last evaluated: 2023-12-05. Review status: criteria provided, single submitter. Criteria: ACMG Guidelines, 2015. Collection method: clinical testing. Allele origin: germline.
Comment: This missense variant replaces lysine with glutamic acid at codon 697 of the CDH1 protein. To our knowledge, functional studies have not been reported for this variant. This variant has not been reported in individuals affected with CDH1-related disorders in the literature. This variant has not been identified in the general population by the Genome Aggregation Database (gnomAD). The available evidence is insufficient to determine the role of this variant in disease conclusively. Therefore, this variant is classified as a Variant of Uncertain Significance.

Labcorp Genetics (formerly Invitae), Labcorp
Classification: Uncertain significance for Hereditary diffuse gastric adenocarcinoma. Last evaluated: 2020-12-01. Review status: criteria provided, single submitter. Criteria: Invitae Variant Classification Sherloc (09022015). Collection method: clinical testing. Allele origin: germline.
Comment: In summary, the available evidence is currently insufficient to determine the role of this variant in disease. Therefore, it has been classified as a Variant of Uncertain Significance. Algorithms developed to predict the effect of missense changes on protein structure and function (SIFT, PolyPhen-2, Align-GVGD) all suggest that this variant is likely to be tolerated, but these predictions have not been confirmed by published functional studies and their clinical significance is uncertain. This variant has not been reported in the literature in individuals with CDH1-related conditions. ClinVar contains an entry for this variant (Variation ID: 489851). This variant is not present in population databases (ExAC no frequency). This sequence change replaces lysine with glutamic acid at codon 697 of the CDH1 protein (p.Lys697Glu). The lysine residue is moderately conserved and there is a small physicochemical difference between lysine and glutamic acid.

NM_004360.5(CDH1):c.2089A>G (p.Lys697Glu)

Gene: CDH1 (cadherin 1; plus strand). Cytogenetic location: 16q22.1.
Variant type: single nucleotide variant.
Coding change: c.2089A>G on transcript NM_004360.5 (MANE Select); coding-DNA position 2089, A replaced by G.
Protein change: p.Lys697Glu; replaces lysine 697 with glutamic acid.
Molecular consequence: missense variant.
Genome position (GRCh38, 1-based): chr16:68,823,551, A>G. VCF-style: chr16-68823551-A-G. GRCh37 (hg19) VCF-style: chr16-68857454-A-G.
Other names: c.1906A>G, p.Lys636Glu (NM_001317184.2); c.541A>G, p.Lys181Glu (NM_001317185.2); c.124A>G, p.Lys42Glu (NM_001317186.2); c.2089A>G (LRG_301t1); short protein forms K697E, K42E, K636E, K181E.
Identifiers: ClinVar variation 489851 (VCV000489851.14), dbSNP rs1555517126, ClinGen allele CA396467829.